The following is an entry in ClinVar:

NM_001282597.3(CTNNA2):c.2115C>T (p.Asp705=)

Gene: CTNNA2 (catenin alpha 2; plus strand). Cytogenetic location: 2p12.
Variant type: single nucleotide variant.
Coding change: c.2115C>T on transcript NM_001282597.3 (MANE Select); coding-DNA position 2115, C replaced by T.
Protein change: p.Asp705=; no amino-acid change (aspartic acid 705 retained).
Molecular consequence: synonymous variant.
Genome position (GRCh38, 1-based): chr2:80,589,411, C>T. VCF-style: chr2-80589411-C-T. GRCh37 (hg19) VCF-style: chr2-80816536-C-T.
Other names: c.2115C>T, p.Asp705= (NM_001164883.2, NM_001399737.1, NM_004389.4); c.2217C>T, p.Asp739= (NM_001282598.2); c.1152C>T, p.Asp384= (NM_001282599.2); c.1011C>T, p.Asp337= (NM_001282600.2, NM_001320810.2).
Identifiers: ClinVar variation 3055028 (VCV003055028.2), dbSNP rs758637574, ClinGen allele CA1735832.
Genomic context (GRCh38, chr2:80,589,411, plus strand): 5'-GCAGGTGGAGATATTCCATCAAGAGAAAAGCAAGCTGGATGCAGAAGTGGCCAAATGGGA[C>T]GACAGCGGCAATGATATCATTGTACTGGCCAAGCAGATGTGTATGATCATGATGGAAATG-3'
Protein context (NP_001269526.1, residues 695-715): SKLDAEVAKW[Asp705=]DSGNDIIVLA

ClinVar aggregate classification (germline): Likely benign (0 of 4 stars; one submission).

Conditions:
CTNNA2-related disorder. Also called: CTNNA2-related condition.

Allele frequency attached by ClinVar (database versions not stated): gnomAD 0.00005; ExAC 0.00007; TOPMed 0.00009.
gnomAD v4.1: 62 of 1,613,888 alleles (0.0038%); highest among the groups gnomAD compares: Admixed American, 0.032%; no homozygotes.

Submission:

PreventionGenetics, part of Exact Sciences
Classification: Likely benign for CTNNA2-related condition. Last evaluated: 2020-12-16. Review status: no assertion criteria provided. Collection method: clinical testing. Allele origin: germline.
Comment: This variant is classified as likely benign based on ACMG/AMP sequence variant interpretation guidelines (Richards et al. 2015 PMID: 25741868, with internal and published modifications).